The following is an entry in ClinVar:

ClinVar aggregate classification (germline): Uncertain significance (1 of 4 stars; one submission).

Conditions:
Intellectual developmental disorder, autosomal dominant 66. Also called: MENTAL RETARDATION, AUTOSOMAL DOMINANT 66. Identifiers: MedGen C5677000, MONDO:0030891, OMIM 619910.

Allele frequency attached by ClinVar (database versions not stated): gnomAD exomes below 0.00001.
gnomAD v4.1: 4 of 1,614,164 alleles (0.00025%); highest among the groups gnomAD compares: Non-Finnish European, 0.00034%; no homozygotes.

Submission:

Institute of Human Genetics, University of Leipzig Medical Center
Classification: Uncertain significance for Intellectual developmental disorder, autosomal dominant 66. Last evaluated: 2022-07-15. Review status: criteria provided, single submitter. Criteria: ACMG Guidelines, 2015. Collection method: clinical testing. Allele origin: unknown. Affected: yes.
Comment: _x000D_ Criteria applied: PM1, PP3, PP2, PM2_SUP

NM_001366521.1(ATP2B1):c.1235A>G (p.Tyr412Cys)

Gene: ATP2B1 (ATPase plasma membrane Ca2+ transporting 1; minus strand). Cytogenetic location: 12q21.33.
Variant type: single nucleotide variant.
Coding change: c.1235A>G on transcript NM_001366521.1 (MANE Select); coding-DNA position 1235, A replaced by G.
Protein change: p.Tyr412Cys; replaces tyrosine 412 with cysteine.
Molecular consequence: missense variant.
Genome position (GRCh38, 1-based): chr12:89,624,292, T>C on the plus strand (A>G on the coding strand, the complement: ATP2B1 is on the minus strand). VCF-style: chr12-89624292-T-C. GRCh37 (hg19) VCF-style: chr12-90018069-T-C.
Other names: c.1235A>G, p.Tyr412Cys (NM_001001323.2, NM_001366520.1, NM_001366522.1 and 8 more transcripts); c.1037A>G, p.Tyr346Cys (NM_001366530.1); c.674A>G, p.Tyr225Cys (NM_001366531.1, NM_001366532.1); short protein forms Y225C, Y346C, Y412C.
Identifiers: ClinVar variation 1697311 (VCV001697311.1), dbSNP rs2136106571, ClinGen allele CA386126019.